The following is an entry in ClinVar:

NM_006767.4(LZTR1):c.1573A>G (p.Met525Val)

Gene: LZTR1 (leucine zipper like post translational regulator 1; plus strand). Cytogenetic location: 22q11.21.
Variant type: single nucleotide variant.
Coding change: c.1573A>G on transcript NM_006767.4 (MANE Select); coding-DNA position 1573, A replaced by G.
Protein change: p.Met525Val; replaces methionine 525 with valine.
Molecular consequence: missense variant.
Genome position (GRCh38, 1-based): chr22:20,994,227, A>G. VCF-style: chr22-20994227-A-G. GRCh37 (hg19) VCF-style: chr22-21348516-A-G.
Other names: short protein forms M525V.
Identifiers: ClinVar variation 2447743 (VCV002447743.6), dbSNP rs2147967410, ClinGen allele CA410776049.

ClinVar aggregate classification (germline): Uncertain significance. Review status: criteria provided, multiple submitters, no conflicts (2 of 4 stars). 2 submissions from 2 submitters: Uncertain significance (2). Last evaluated 2025-07-30.

Conditions:
Cardiovascular phenotype. Identifiers: MedGen CN230736.
Hereditary cancer-predisposing syndrome. Also called: Neoplastic Syndromes, Hereditary; Hereditary Cancer Syndrome; Tumor predisposition; Hereditary neoplastic syndrome. Identifiers: Orphanet 140162, MedGen C0027672, MeSH D009386, MONDO:0015356.

gnomAD v4.1: 2 of 1,600,578 alleles (0.00012%); highest among the groups gnomAD compares: Non-Finnish European, 0.00017%; no homozygotes.

Submissions (2):

Ambry Genetics
Classification: Uncertain significance for Cardiovascular phenotype; Hereditary cancer-predisposing syndrome. Last evaluated: 2025-07-30. Review status: criteria provided, single submitter. Criteria: Ambry Variant Classification Scheme 2023. Collection method: clinical testing. Allele origin: germline.
Comment: The p.M525V variant (also known as c.1573A>G), located in coding exon 14 of the LZTR1 gene, results from an A to G substitution at nucleotide position 1573. The methionine at codon 525 is replaced by valine, an amino acid with highly similar properties. This amino acid position is conserved. In addition, the in silico prediction for this alteration is inconclusive. Based on the available evidence, the clinical significance of this variant remains unclear.

Labcorp Genetics (formerly Invitae), Labcorp
Classification: Uncertain significance. Last evaluated: 2024-11-28. Review status: criteria provided, single submitter. Criteria: Invitae Variant Classification Sherloc (09022015). Collection method: clinical testing. Allele origin: germline.
Comment: This sequence change replaces methionine, which is neutral and non-polar, with valine, which is neutral and non-polar, at codon 525 of the LZTR1 protein (p.Met525Val). This variant is not present in population databases (gnomAD no frequency). This variant has not been reported in the literature in individuals affected with LZTR1-related conditions. ClinVar contains an entry for this variant (Variation ID: 2447743). Invitae Evidence Modeling of protein sequence and biophysical properties (such as structural, functional, and spatial information, amino acid conservation, physicochemical variation, residue mobility, and thermodynamic stability) indicates that this missense variant is not expected to disrupt LZTR1 protein function with a negative predictive value of 80%. In summary, the available evidence is currently insufficient to determine the role of this variant in disease. Therefore, it has been classified as a Variant of Uncertain Significance.